The following is an entry in ClinVar:

NM_033380.3(COL4A5):c.3329G>T (p.Gly1110Val)

Gene: COL4A5 (collagen type IV alpha 5 chain; plus strand). Cytogenetic location: Xq22.3.
Variant type: single nucleotide variant.
Coding change: c.3329G>T on transcript NM_033380.3 (MANE Select); coding-DNA position 3329, G replaced by T.
Protein change: p.Gly1110Val; replaces glycine 1110 with valine.
Molecular consequence: missense variant.
Genome position (GRCh38, 1-based): chrX:108,655,413, G>T. VCF-style: chrX-108655413-G-T. GRCh37 (hg19) VCF-style: chrX-107898643-G-T.
Other names: c.3329G>T, p.Gly1110Val (NM_000495.5); short protein forms G1110V.
Identifiers: ClinVar variation 3066217 (VCV003066217.1), dbSNP rs2524531676, ClinGen allele CA413857499.

ClinVar aggregate classification (germline): Likely pathogenic (1 of 4 stars; one submission).

Conditions:
X-linked Alport syndrome (ATS1). Also called: COL4A5-Related Nephropathy; NEPHROPATHY AND DEAFNESS, X-LINKED. Identifiers: Orphanet 63, Orphanet 88917, MedGen C4746986, MONDO:0010520, OMIM 301050.

Submission:

MVZ Medizinische Genetik Mainz
Classification: Likely pathogenic for X-linked Alport syndrome. Last evaluated: 2022-12-12. Review status: criteria provided, single submitter. Criteria: UK Practice Guidelines For Variant Classification V4 01 2020. Collection method: clinical testing. Allele origin: germline. Inheritance: X-linked dominant inheritance. Affected: yes. Observed: 1 variant allele.
Comment: ACMG Criteria: PM1_STR, PM2_SUP, PM5_SUP, PP3, PP4